The following is an entry in ClinVar:

ClinVar aggregate classification (germline): Uncertain significance (1 of 4 stars; one submission).

gnomAD v4.1: 1 of 1,614,016 alleles (0.000062%); highest among the groups gnomAD compares: Non-Finnish European, 0.000085%; no homozygotes.

Submission:

Labcorp Genetics (formerly Invitae), Labcorp
Classification: Uncertain significance. Last evaluated: 2023-07-26. Review status: criteria provided, single submitter. Criteria: Invitae Variant Classification Sherloc (09022015). Collection method: clinical testing. Allele origin: germline.
Comment: This variant is present in population databases (no rsID available, gnomAD 0.007%). In summary, the available evidence is currently insufficient to determine the role of this variant in disease. Therefore, it has been classified as a Variant of Uncertain Significance. An algorithm developed to predict the effect of missense changes on protein structure and function (PolyPhen-2) suggests that this variant is likely to be tolerated. This variant has not been reported in the literature in individuals affected with TCF20-related conditions. This sequence change replaces valine, which is neutral and non-polar, with leucine, which is neutral and non-polar, at codon 1441 of the TCF20 protein (p.Val1441Leu).

NM_001378418.1(TCF20):c.4321G>T (p.Val1441Leu)

Gene: TCF20 (transcription factor 20; minus strand). Cytogenetic location: 22q13.2.
Variant type: single nucleotide variant.
Coding change: c.4321G>T on transcript NM_001378418.1 (MANE Select); coding-DNA position 4321, G replaced by T.
Protein change: p.Val1441Leu; replaces valine 1441 with leucine.
Molecular consequence: missense variant.
Genome position (GRCh38, 1-based): chr22:42,210,985, C>A on the plus strand (G>T on the coding strand, the complement: TCF20 is on the minus strand). VCF-style: chr22-42210985-C-A. GRCh37 (hg19) VCF-style: chr22-42606991-C-A.
Other names: c.4321G>T, p.Val1441Leu (NM_005650.4, NM_181492.3); short protein forms V1441L.
Identifiers: ClinVar variation 2796069 (VCV002796069.3), dbSNP rs147643985, ClinGen allele CA411784581.
Genomic context (GRCh38, chr22:42,210,985, plus strand): 5'-GGGGTTCCTTTCCGGCAGTAACTGTTTCTGCATGTGTCTCTGTCTTCACTTTGTCATCCA[C>A]GCTGCCACGCCACTCTTCTGAAGACCTTGGAAGAGGTTTCTCTACGTGCAACTCCTGGTT-3'
Protein context (NP_001365347.1, residues 1431-1451): PRSSEEWRGS[Val1441Leu]DDKVKTETHA